The following is an entry in ClinVar:

NM_001080517.3(SETD5):c.1725del (p.Ile576fs)

Gene: SETD5 (SET domain containing 5; plus strand). Cytogenetic location: 3p25.3.
Variant type: Deletion.
Coding change: c.1725del on transcript NM_001080517.3 (MANE Select); coding-DNA position 1725, one base deleted (C; older notation c.1725delC).
Protein change: p.Ile576fs; shifts the reading frame from isoleucine 576.
Molecular consequence: frameshift variant.
Genome position (GRCh38, 1-based): chr3:9,447,250, C deleted; the last of 2 consecutive C bases (chr3:9,447,249-9,447,250); deleting either gives the same sequence. VCF-style (leftmost placement, unchanged base first): chr3-9447248-AC-A. GRCh37 (hg19) VCF-style: chr3-9488932-AC-A.
Other names: c.1431del, p.Ile478fs (NM_001292043.2, NM_001349451.2); short protein forms I478fs, I576fs.
Identifiers: ClinVar variation 3765750 (VCV003765750.1).
Genomic context (GRCh38, chr3:9,447,248, plus strand): 5'-GGTGAAGAGACAAAAACTGAAGCCCCTGAATCTGAAGTTAGCAACTCTGTTTCAAATGTT[AC>A]CATCCCAAGCACCCCACAGAGTGTTGGTGTGAATACCCGGAGGTCTTCCCAAGCAGGGGT-3'

ClinVar aggregate classification (germline): Pathogenic (1 of 4 stars; one submission).

Conditions:
Intellectual disability-facial dysmorphism syndrome due to SETD5 haploinsufficiency (MRD23). Also called: Intellectual developmental disorder, autosomal dominant 23. Identifiers: Orphanet 404440, MedGen C3810406, MONDO:0014336, OMIM 615761.

Submission:

Greenwood Genetic Center Diagnostic Laboratories, Greenwood Genetic Center
Classification: Pathogenic for Intellectual disability-facial dysmorphism syndrome due to SETD5 haploinsufficiency. Last evaluated: 2024-11-07. Review status: criteria provided, single submitter. Criteria: ACMG Guidelines, 2015. Collection method: clinical testing. Allele origin: germline. Affected: yes.
Comment: PVS1, PS2, PM2